The following is an entry in ClinVar:

ClinVar aggregate classification (germline): Uncertain significance (1 of 4 stars; one submission).

Submission:

GeneDx
Classification: Uncertain significance. Last evaluated: 2025-01-25. Review status: criteria provided, single submitter. Criteria: GeneDx Variant Classification Process June 2021. Collection method: clinical testing. Allele origin: germline. Affected: yes.
Comment: Not observed at significant frequency in large population cohorts (gnomAD); In silico analysis indicates that this missense variant does not alter protein structure/function; Has not been previously published as pathogenic or benign to our knowledge

NM_017780.4(CHD7):c.1753G>T (p.Asp585Tyr)

Genes: CHD7 (chromodomain helicase DNA binding protein 7; plus strand), LOC126860403 (CDK7 strongly-dependent group 2 enhancer GRCh37_chr8:61693034-61694233; plus strand). Cytogenetic location: 8q12.2.
Variant type: single nucleotide variant.
Coding change: c.1753G>T on transcript NM_017780.4 (MANE Select); coding-DNA position 1753, G replaced by T.
Protein change: p.Asp585Tyr; replaces aspartic acid 585 with tyrosine.
Molecular consequence: missense variant. On other transcripts: intron variant (1).
Genome position (GRCh38, 1-based): chr8:60,781,087, G>T. VCF-style: chr8-60781087-G-T. GRCh37 (hg19) VCF-style: chr8-61693646-G-T.
Other names: c.1753G>T (LRG_176t1); c.1716+37G>T (NM_001316690.1); short protein forms D585Y.
Identifiers: ClinVar variation 420293 (VCV000420293.3), dbSNP rs1064794401, ClinGen allele CA16618656.
Genomic context (GRCh38, chr8:60,781,087, plus strand): 5'-AAACCAGTGCCGGATATGACTCAGGTTAGTGGACCGAATGCTCAGCTAGTGAAGAGTGAT[G>T]ATTACCTGCCATCAATAGAACAGCAGCCACAACAAAAGAAGAAGAAAAAGAAAAACAACC-3'
Protein context (NP_060250.2, residues 575-595): GPNAQLVKSD[Asp585Tyr]YLPSIEQQPQ